The following is an entry in ClinVar:

NC_000001.10:g.(?_76190031)_(76229365_?)del

Gene: ACADM (acyl-CoA dehydrogenase medium chain; plus strand). Cytogenetic location: 1p31.1.
Variant type: Deletion.
Identifiers: ClinVar variation 1705119 (VCV001705119.1).

ClinVar aggregate classification (germline): Likely pathogenic (1 of 4 stars; one submission).

Conditions:
Medium-chain acyl-coenzyme A dehydrogenase deficiency (ACADMD). Also called: MCADD; MCAD Deficiency; ACADM DEFICIENCY; MCADH DEFICIENCY; CARNITINE DEFICIENCY SECONDARY TO MEDIUM-CHAIN ACYL-CoA DEHYDROGENASE DEFICIENCY; Medium chain acyl-CoA dehydrogenase deficiency. Identifiers: Orphanet 42, MedGen C0220710, MONDO:0008721, OMIM 201450.

Submission:

Women's Health and Genetics/Laboratory Corporation of America, LabCorp
Classification: Likely pathogenic for Medium-chain acyl-coenzyme A dehydrogenase deficiency. Last evaluated: 2022-08-17. Review status: criteria provided, single submitter. Criteria: LabCorp Variant Classification Summary - May 2015. Collection method: clinical testing. Allele origin: germline.
Comment: Variant summary: The variant identified by MLPA or other technology involves the deletion of the entire coding sequence of the ACADM gene. A presumed nomenclature of c.(?_-442)_(*917_?)del has been designated for the purposes of this classification. Since the exact breakpoints of this deletion are not known, it might extend beyond the assayed region of the ACADM gene, including other flanking genes. The variant was absent in 21694 control chromosomes (gnomAD Structural Variants dataset). To our knowledge, c.(?_-442)_(*917_?)del has not been reported in the literature in individuals affected with Medium Chain Acyl-CoA Dehydrogenase Deficiency and no experimental evidence demonstrating an impact on protein function has been reported. The variant has been reported in a carrier screening cohort (Abuli_2016), but this report does not provide unequivocal conclusions about association of the variant with Medium Chain Acyl-CoA Dehydrogenase Deficiency. One ClinVar submitter has assessed the variant since 2014: the variant was classified as pathogenic. Based on the evidence outlined above, the variant was classified as likely pathogenic.

Literature cited by the submitters: PubMed 26990548.